The following is an entry in ClinVar:

NM_020822.3(KCNT1):c.3027+18_3027+33del

Gene: KCNT1 (potassium sodium-activated channel subfamily T member 1; plus strand). Cytogenetic location: 9q34.3.
Variant type: Deletion.
Coding change: c.3027+18_3027+33del on transcript NM_020822.3 (MANE Select); bases 18 to 33 of the intron after coding-DNA position 3027, 16 bases deleted (CGCTGGGCTGGGGGCG).
Molecular consequence: intron variant.
Genome position (GRCh38, 1-based): chr9:135,784,636-135,784,651, CGCTGGGCTGGGGGCG deleted; deleting any 16 consecutive bases within chr9:135,784,635-135,784,651 gives the same sequence; the c. name uses the placement nearest the transcript's 3' end. VCF-style (leftmost placement, unchanged base first): chr9-135784634-TGCGCTGGGCTGGGGGC-T. GRCh37 (hg19) VCF-style: chr9-138676480-TGCGCTGGGCTGGGGGC-T.
Other names: c.2892+18_2892+33del (NM_001272003.2).
Identifiers: ClinVar variation 3751346 (VCV003751346.2).

ClinVar aggregate classification (germline): Uncertain significance (1 of 4 stars; one submission).

Conditions:
Autosomal dominant nocturnal frontal lobe epilepsy 5. Also called: KCNT1-Related Epilepsy; CILIARY DYSKINESIA, PRIMARY, 28, WITHOUT SITUS INVERSUS; CILIARY DYSKINESIA, PRIMARY, 28, WITH SITUS INVERSUS; Epilepsy, nocturnal frontal lobe, 5. Identifiers: Orphanet 98784, MedGen C3554306, MONDO:0014002, OMIM 615005.
Developmental and epileptic encephalopathy, 14 (DEE14). Also called: Early infantile epileptic encephalopathy 14. Identifiers: Orphanet 293181, MedGen C3554195, MONDO:0013989, OMIM 614959.

Submission:

Labcorp Genetics (formerly Invitae), Labcorp
Classification: Uncertain significance for Autosomal dominant nocturnal frontal lobe epilepsy 5; Developmental and epileptic encephalopathy, 14. Last evaluated: 2026-01-28. Review status: criteria provided, single submitter. Criteria: Invitae Variant Classification Sherloc (09022015). Collection method: clinical testing. Allele origin: germline.
Comment: This sequence change falls in intron 26 of the KCNT1 gene. It does not directly change the encoded amino acid sequence of the KCNT1 protein. This variant is not present in population databases (gnomAD no frequency). This variant has not been reported in the literature in individuals affected with KCNT1-related conditions. ClinVar contains an entry for this variant (Variation ID: 3751346). Experimental studies and prediction algorithms are not available or were not evaluated, and the effect of this variant on mRNA splicing is currently unknown. In summary, the available evidence is currently insufficient to determine the role of this variant in disease. Therefore, it has been classified as a Variant of Uncertain Significance.